The following is an entry in ClinVar:

ClinVar aggregate classification (germline): Uncertain significance. Review status: criteria provided, multiple submitters, no conflicts (2 of 4 stars). 3 submissions from 3 submitters: Uncertain significance (3). Last evaluated 2026-02-16.

Conditions:
Tietz syndrome (TADS). Also called: TIETZ ALBINISM-DEAFNESS SYNDROME; ALBINISM-DEAFNESS OF TIETZ; HYPOPIGMENTATION/DEAFNESS OF TIETZ. Identifiers: Orphanet 42665, MedGen C0391816, MONDO:0007077, OMIM 103500.
Melanoma, cutaneous malignant, susceptibility to, 8. Also called: Cutaneous malignant melanoma 8; MELANOMA AND RENAL CELL CARCINOMA, SUSCEPTIBILITY TO. Identifiers: Orphanet 293822, MedGen C3152204, MONDO:0013759, OMIM 614456.
Waardenburg syndrome type 2A (WS2A). Also called: WAARDENBURG SYNDROME WITHOUT DYSTOPIA CANTHORUM. Identifiers: Orphanet 3440, MedGen C1860339, MONDO:0008671, OMIM 193510.
Hereditary cancer-predisposing syndrome. Also called: Neoplastic Syndromes, Hereditary; Tumor predisposition; Hereditary Cancer Syndrome; Hereditary neoplastic syndrome. Identifiers: Orphanet 140162, MedGen C0027672, MeSH D009386, MONDO:0015356.

Allele frequency attached by ClinVar (database versions not stated): gnomAD exomes 0.00001.
gnomAD v4.1: 11 of 1,613,642 alleles (0.00068%); highest among the groups gnomAD compares: Non-Finnish European, 0.00093%; no homozygotes.

Submissions (3):

Ambry Genetics
Classification: Uncertain significance for Hereditary cancer-predisposing syndrome. Last evaluated: 2026-02-16. Review status: criteria provided, single submitter. Criteria: Ambry Variant Classification Scheme 2023. Collection method: clinical testing. Allele origin: germline.
Comment: The p.Y7H variant (also known as c.19T>C), located in coding exon 1 of the MITF gene, results from a T to C substitution at nucleotide position 19. The tyrosine at codon 7 is replaced by histidine, an amino acid with similar properties. This amino acid position is conserved. In addition, this alteration is predicted to be tolerated by in silico analysis. Based on the available evidence, the clinical significance of this variant remains unclear.

Labcorp Genetics (formerly Invitae), Labcorp
Classification: Uncertain significance for Melanoma, cutaneous malignant, susceptibility to, 8; Waardenburg syndrome type 2A; Tietz syndrome. Last evaluated: 2025-08-25. Review status: criteria provided, single submitter. Criteria: Invitae Variant Classification Sherloc (09022015). Collection method: clinical testing. Allele origin: germline.
Comment: This sequence change replaces tyrosine, which is neutral and polar, with histidine, which is basic and polar, at codon 7 of the MITF protein (p.Tyr7His). This variant is not present in population databases (gnomAD no frequency). This variant has not been reported in the literature in individuals affected with MITF-related conditions. ClinVar contains an entry for this variant (Variation ID: 2008854). An algorithm developed to predict the effect of missense changes on protein structure and function (PolyPhen-2) suggests that this variant is likely to be disruptive. In summary, the available evidence is currently insufficient to determine the role of this variant in disease. Therefore, it has been classified as a Variant of Uncertain Significance.

GeneDx
Classification: Uncertain significance. Last evaluated: 2023-11-17. Review status: criteria provided, single submitter. Criteria: GeneDx Variant Classification Process June 2021. Collection method: clinical testing. Allele origin: germline. Affected: yes.
Comment: Not observed at significant frequency in large population cohorts (gnomAD); In silico analysis supports that this missense variant does not alter protein structure/function; Has not been previously published as pathogenic or benign to our knowledge

NM_000248.4(MITF):c.19T>C (p.Tyr7His)

Gene: MITF (melanocyte inducing transcription factor; plus strand). Cytogenetic location: 3p13.
Variant type: single nucleotide variant.
Coding change: c.19T>C on transcript NM_000248.4 (MANE Plus Clinical); coding-DNA position 19, T replaced by C.
Protein change: p.Tyr7His; replaces tyrosine 7 with histidine.
Molecular consequence: missense variant. On other transcripts: intron variant (9).
Genome position (GRCh38, 1-based): chr3:69,936,741, T>C. VCF-style: chr3-69936741-T-C. GRCh37 (hg19) VCF-style: chr3-69985892-T-C.
Other names: c.19T>C, p.Tyr7His (NM_001184968.2, NM_198158.3, NM_198178.3); c.304-1081T>C (NM_001354607.2); c.199-1081T>C (NM_001354608.2, NM_001184967.2); c.355-1081T>C (NM_001354604.2, NM_198159.3); c.352-1081T>C (NM_001354605.2, NM_001354606.2, NM_006722.3); c.307-1081T>C (NM_198177.3); short protein forms Y7H.
Identifiers: ClinVar variation 2008854 (VCV002008854.6), dbSNP rs2471579555, ClinGen allele CA353560194.
Genomic context (GRCh38, chr3:69,936,741, plus strand): 5'-TCTACCGTCTCTCACTGGATTGGTGCCACCTAAAACATTGTTATGCTGGAAATGCTAGAA[T>C]ATAATCACTATCAGGTGAGATTTATTCTGACTCATATTCAGTCTTTGAAATATAATGCAA-3'
Protein context (NP_000239.1, residues 1-17): MLEMLE[Tyr7His]NHYQVQTHLE